The following is an entry in ClinVar:

NM_000059.4(BRCA2):c.958del (p.Leu320fs)

Gene: BRCA2 (BRCA2 DNA repair associated; plus strand). Cytogenetic location: 13q13.1.
Variant type: Deletion.
Coding change: c.958del on transcript NM_000059.4 (MANE Select); coding-DNA position 958, one base deleted (C; older notation c.958delC).
Protein change: p.Leu320fs; shifts the reading frame from leucine 320.
Molecular consequence: frameshift variant.
Genome position (GRCh38, 1-based): chr13:32,332,436, C deleted. VCF-style (leftmost placement, unchanged base first): chr13-32332435-TC-T. GRCh37 (hg19) VCF-style: chr13-32906572-TC-T.
Other names: c.958delC, p.Leu320Tyrfs (NM_001406719.1, NM_001406720.1, NM_001406721.1); short protein forms L320fs.
Identifiers: ClinVar variation 1705036 (VCV001705036.1), dbSNP rs2548519202, ClinGen allele CA2580087176.
Genomic context (GRCh38, chr13:32,332,435, plus strand): 5'-TGTAGATACCTCTGAAGAAGATAGTTTTTCATTATGTTTTTCTAAATGTAGAACAAAAAA[TC>T]TACAAAAAGTAAGAACTAGCAAGACTAGGAAAAAAATTTTCCATGAAGCAAACGCTGATG-3'

ClinVar aggregate classification (germline): Likely pathogenic (1 of 4 stars; one submission).

Conditions:
Hereditary breast ovarian cancer syndrome. Also called: Hereditary breast and ovarian cancer syndrome (HBOC); Breast and ovarian cancer; BRCA1- and BRCA2-Associated Hereditary Breast and Ovarian Cancer; Hereditary breast and ovarian cancer syndrome; Hereditary breast and/or ovarian cancer syndrome; Hereditary breast and ovarian cancer. Identifiers: Orphanet 145, MedGen C0677776, MeSH D061325, MONDO:0003582. Disease mechanism: loss of function.

Submission:

Women's Health and Genetics/Laboratory Corporation of America, LabCorp
Classification: Likely pathogenic for Hereditary breast ovarian cancer syndrome. Last evaluated: 2022-08-01. Review status: criteria provided, single submitter. Criteria: LabCorp Variant Classification Summary - May 2015. Collection method: clinical testing. Allele origin: germline.
Comment: Variant summary: BRCA2 c.958delC (p.Leu320TyrfsX4) results in a premature termination codon, predicted to cause a truncation of the encoded protein or absence of the protein due to nonsense mediated decay, which are commonly known mechanisms for disease. Truncations downstream of this position have been classified as pathogenic by our laboratory. The variant was absent in 229216 control chromosomes (gnomAD). c.958delC has been reported in the literature in at-least one individual affected with Ovarian Cancer (example: Sugino_2019). These data do not allow any conclusion about variant significance. To our knowledge, no experimental evidence demonstrating an impact on protein function has been reported. No clinical diagnostic laboratories have submitted clinical-significance assessments for this variant to ClinVar after 2014. Based on the evidence outlined above, the variant was classified as likely pathogenic.

Literature cited by the submitters: PubMed 31780705.